The following is an entry in ClinVar:

ClinVar aggregate classification (germline): Uncertain significance (1 of 4 stars; one submission).

Conditions:
Hereditary cancer-predisposing syndrome. Also called: Neoplastic Syndromes, Hereditary; Tumor predisposition; Hereditary Cancer Syndrome; Hereditary neoplastic syndrome. Identifiers: Orphanet 140162, MedGen C0027672, MeSH D009386, MONDO:0015356.

Submission:

Ambry Genetics
Classification: Uncertain significance for Hereditary cancer-predisposing syndrome. Last evaluated: 2025-12-22. Review status: criteria provided, single submitter. Criteria: Ambry Variant Classification Scheme 2023. Collection method: clinical testing. Allele origin: germline.
Comment: The p.L507F variant (also known as c.1521A>C), located in coding exon 9 of the ATM gene, results from an A to C substitution at nucleotide position 1521. The leucine at codon 507 is replaced by phenylalanine, an amino acid with highly similar properties. This amino acid position is conserved. In addition, this alteration is predicted to be deleterious by in silico analysis. Based on the available evidence, the clinical significance of this variant remains unclear.

NM_000051.4(ATM):c.1521A>C (p.Leu507Phe)

Gene: ATM (ATM serine/threonine kinase; plus strand). Cytogenetic location: 11q22.3.
Variant type: single nucleotide variant.
Coding change: c.1521A>C on transcript NM_000051.4 (MANE Select); coding-DNA position 1521, A replaced by C.
Protein change: p.Leu507Phe; replaces leucine 507 with phenylalanine.
Molecular consequence: missense variant.
Genome position (GRCh38, 1-based): chr11:108,250,986, A>C. VCF-style: chr11-108250986-A-C. GRCh37 (hg19) VCF-style: chr11-108121713-A-C.
Other names: c.1521A>C, p.Leu507Phe (NM_001351834.2); short protein forms L507F.
Identifiers: ClinVar variation 4843909 (VCV004843909.1).